The following is an entry in ClinVar:

NM_003060.4(SLC22A5):c.79G>A (p.Ala27Thr)

Gene: SLC22A5 (solute carrier family 22 member 5; plus strand). Cytogenetic location: 5q31.1.
Variant type: single nucleotide variant.
Coding change: c.79G>A on transcript NM_003060.4 (MANE Select); coding-DNA position 79, G replaced by A.
Protein change: p.Ala27Thr; replaces alanine 27 with threonine.
Molecular consequence: missense variant.
Genome position (GRCh38, 1-based): chr5:132,370,051, G>A. VCF-style: chr5-132370051-G-A. GRCh37 (hg19) VCF-style: chr5-131705743-G-A.
Other names: c.79G>A, p.Ala27Thr (NM_001308122.2); short protein forms A27T.
Identifiers: ClinVar variation 2167624 (VCV002167624.4), dbSNP rs1254960526, ClinGen allele CA360802337.

ClinVar aggregate classification (germline): Uncertain significance (1 of 4 stars; one submission).

Conditions:
Renal carnitine transport defect (CDSP). Also called: Systemic primary carnitine deficiency disease; CARNITINE DEFICIENCY, SYSTEMIC, DUE TO DEFECT IN RENAL REABSORPTION OF CARNITINE; CARNITINE TRANSPORTER, PLASMA-MEMBRANE, DEFICIENCY OF; CARNITINE UPTAKE DEFECT; Primary carnitine deficiency; Carnitine Deficiency, Systemic. Identifiers: Orphanet 158, MedGen C0342788, MONDO:0008919, OMIM 212140.

Submission:

Labcorp Genetics (formerly Invitae), Labcorp
Classification: Uncertain significance for Renal carnitine transport defect. Last evaluated: 2022-08-09. Review status: criteria provided, single submitter. Criteria: Invitae Variant Classification Sherloc (09022015). Collection method: clinical testing. Allele origin: germline.
Comment: This variant has not been reported in the literature in individuals affected with SLC22A5-related conditions. Advanced modeling of protein sequence and biophysical properties (such as structural, functional, and spatial information, amino acid conservation, physicochemical variation, residue mobility, and thermodynamic stability) performed at Invitae indicates that this missense variant is expected to disrupt SLC22A5 protein function. In summary, the available evidence is currently insufficient to determine the role of this variant in disease. Therefore, it has been classified as a Variant of Uncertain Significance. This sequence change replaces alanine, which is neutral and non-polar, with threonine, which is neutral and polar, at codon 27 of the SLC22A5 protein (p.Ala27Thr). This variant is not present in population databases (gnomAD no frequency).